The following is an entry in ClinVar:

ClinVar aggregate classification (germline): Conflicting classifications of pathogenicity. Review status: criteria provided, conflicting classifications (1 of 4 stars). 2 submissions from 2 submitters: Uncertain significance (1); Benign (1). Last evaluated 2024-12-19.

Conditions:
Familial thoracic aortic aneurysm and aortic dissection (TAAD). Also called: Thoracic aortic aneurysms and dissections. Identifiers: Orphanet 91387, MedGen C4707243, MONDO:0019625.
Ehlers-Danlos syndrome, classic type, 1 (EDSCL1). Also called: Ehlers-Danlos syndrome, type 1; Ehlers-Danlos Syndrome, Classic Type, COL5A1-Related; EDS I; EHLERS-DANLOS SYNDROME, GRAVIS TYPE; EHLERS-DANLOS SYNDROME, SEVERE CLASSIC TYPE. Identifiers: MedGen C0268335, MONDO:0019567, OMIM 130000.

gnomAD v4.1: 2 of 1,606,566 alleles (0.00012%); highest among the groups gnomAD compares: African/African-American, 0.0027%; no homozygotes.

Submissions (2):

Ambry Genetics
Classification: Uncertain significance for Familial thoracic aortic aneurysm and aortic dissection. Last evaluated: 2024-12-19. Review status: criteria provided, single submitter. Criteria: Ambry Variant Classification Scheme 2023. Collection method: clinical testing. Allele origin: germline.
Comment: The p.A6T variant (also known as c.16G>A), located in coding exon 1 of the COL5A2 gene, results from a G to A substitution at nucleotide position 16. The alanine at codon 6 is replaced by threonine, an amino acid with similar properties. This amino acid position is poorly conserved in available vertebrate species. In addition, this alteration is predicted to be tolerated by in silico analysis. Based on the available evidence, the clinical significance of this variant remains unclear.

Labcorp Genetics (formerly Invitae), Labcorp
Classification: Benign for Ehlers-Danlos syndrome, classic type, 1. Last evaluated: 2022-12-06. Review status: criteria provided, single submitter. Criteria: Invitae Variant Classification Sherloc (09022015). Collection method: clinical testing. Allele origin: germline.

NM_000393.5(COL5A2):c.16G>A (p.Ala6Thr)

Gene: COL5A2 (collagen type V alpha 2 chain; minus strand). Cytogenetic location: 2q32.2.
Variant type: single nucleotide variant.
Coding change: c.16G>A on transcript NM_000393.5 (MANE Select); coding-DNA position 16, G replaced by A.
Protein change: p.Ala6Thr; replaces alanine 6 with threonine.
Molecular consequence: missense variant.
Genome position (GRCh38, 1-based): chr2:189,179,589, C>T on the plus strand (G>A on the coding strand, the complement: COL5A2 is on the minus strand). VCF-style: chr2-189179589-C-T. GRCh37 (hg19) VCF-style: chr2-190044315-C-T.
Other names: c.16G>A (NM_000393.3); short protein forms A6T.
Identifiers: ClinVar variation 1919550 (VCV001919550.6), dbSNP rs372910621, ClinGen allele CA2023217.